The following is an entry in ClinVar:

ClinVar aggregate classification (germline): no classifications from unflagged records (0 of 4 stars; one submission).

Submission:

ARUP Laboratories, Cytogenetics and Genomic Microarray, ARUP Laboratories
Classification: Pathogenic. Last evaluated: 2021-12-01. Review status: flagged submission. Criteria: ARUP Cytogenomic Constitutional CNV Assertion Criteria. Collection method: clinical testing. Allele origin: germline. Observed: 1 variant allele.
ClinVar note: Notes: This submission was flagged because its interpretation of this variant conflicts with the ClinGen Gene Dosage Map curations for the following genes: EP300 TNRC6B.
ClinVar note: Reason: Conflict with ClinGen Gene Dosage Map

GRCh37/hg19 22q13.1-13.2(chr22:39935185-41752098)x1

Genes: DNAJB7 (DnaJ heat shock protein family (Hsp40) member B7; minus strand), ENTHD1 (ENTH domain containing 1; minus strand), RANGAP1 (Ran GTPase activating protein 1; minus strand), RBX1 (ring-box 1; plus strand), SACK1F (scaffolding CK1 anchoring protein F; plus strand) and 15 more. Cytogenetic location: 22q13.1-13.2.
Variant type: copy number loss.
Change: copy number 1 (one copy instead of two) of chr22:39,935,185-41,752,098 (1.82 Mb, GRCh37 coordinates, 1-based), cytogenetic band 22q13.1-13.2.
Identifiers: ClinVar variation 3062459 (VCV003062459.2).